The following is an entry in ClinVar:

ClinVar aggregate classification (germline): Uncertain significance. Review status: criteria provided, multiple submitters, no conflicts (2 of 4 stars). 2 submissions from 2 submitters: Uncertain significance (2). Last evaluated 2024-05-06.

Allele frequency attached by ClinVar (database versions not stated): gnomAD exomes 0.00001.
gnomAD v4.1: 3 of 1,596,196 alleles (0.00019%); highest among the groups gnomAD compares: Non-Finnish European, 0.00026%; no homozygotes.

Submissions (2):

Women's Health and Genetics/Laboratory Corporation of America, LabCorp
Classification: Uncertain significance. Last evaluated: 2024-05-06. Review status: criteria provided, single submitter. Criteria: LabCorp Variant Classification Summary - May 2015. Collection method: clinical testing. Allele origin: germline.

Labcorp Genetics (formerly Invitae), Labcorp
Classification: Uncertain significance. Last evaluated: 2024-02-26. Review status: criteria provided, single submitter. Criteria: Invitae Variant Classification Sherloc (09022015). Collection method: clinical testing. Allele origin: germline.
Comment: This sequence change replaces threonine, which is neutral and polar, with alanine, which is neutral and non-polar, at codon 1841 of the MYO7A protein (p.Thr1841Ala). This variant is not present in population databases (gnomAD no frequency). This variant has not been reported in the literature in individuals affected with MYO7A-related conditions. ClinVar contains an entry for this variant (Variation ID: 2165743). Advanced modeling of protein sequence and biophysical properties (such as structural, functional, and spatial information, amino acid conservation, physicochemical variation, residue mobility, and thermodynamic stability) performed at Invitae indicates that this missense variant is not expected to disrupt MYO7A protein function with a negative predictive value of 95%. In summary, the available evidence is currently insufficient to determine the role of this variant in disease. Therefore, it has been classified as a Variant of Uncertain Significance.

NM_000260.4(MYO7A):c.5521A>G (p.Thr1841Ala)

Gene: MYO7A (myosin VIIA; plus strand). Cytogenetic location: 11q13.5.
Variant type: single nucleotide variant.
Coding change: c.5521A>G on transcript NM_000260.4 (MANE Select); coding-DNA position 5521, A replaced by G.
Protein change: p.Thr1841Ala; replaces threonine 1841 with alanine.
Molecular consequence: missense variant.
Genome position (GRCh38, 1-based): chr11:77,205,502, A>G. VCF-style: chr11-77205502-A-G. GRCh37 (hg19) VCF-style: chr11-76916547-A-G.
Other names: c.5407A>G, p.Thr1803Ala (NM_001127180.2); c.5374A>G, p.Thr1792Ala (NM_001369365.1); short protein forms T1792A, T1841A, T1803A.
Identifiers: ClinVar variation 2165743 (VCV002165743.4), dbSNP rs1333309165, ClinGen allele CA381952923.
Genomic context (GRCh38, chr11:77,205,502, plus strand): 5'-GCCCACGCCTCCTCCTGCAGGTACAGCGAGGAGCGGGGTTGGGAGCTGCTCTGGCTGTGC[A>G]CGGGCCTTTTCCCACCCAGCAACATCCTCCTGCCCCACGTGCAGCGCTTCCTGCAGTCCC-3'
Protein context (NP_000251.3, residues 1831-1851): ERGWELLWLC[Thr1841Ala]GLFPPSNILL